The following is an entry in ClinVar:

ClinVar aggregate classification (germline): Conflicting classifications of pathogenicity. Review status: criteria provided, conflicting classifications (1 of 4 stars). 5 submissions from 5 submitters: Uncertain significance (3); Benign (1); Likely benign (1). Last evaluated 2023-09-26.

Conditions:
Inborn genetic diseases. Identifiers: MedGen C0950123, MeSH D030342.
Ornithine aminotransferase deficiency (GACR). Also called: Ornithine ketoacid aminotransferase deficiency; Gyrate atrophy; Gyrate atrophy of choroid and retina; Girate atrophy of the retina; HYPERORNITHINEMIA WITH GYRATE ATROPHY OF CHOROID AND RETINA; OKT DEFICIENCY. Identifiers: Orphanet 414, MedGen C0018425, MONDO:0009796, OMIM 258870.

Allele frequency attached by ClinVar (database versions not stated): gnomAD 0.00003 and 0.00006; gnomAD exomes 0.00005 and 0.00011; TOPMed 0.00009; ExAC 0.00010; 1000 Genomes Project 30x 0.00031; 1000 Genomes Project 0.00040.
gnomAD v4.1: 76 of 1,613,194 alleles (0.0047%); highest among the groups gnomAD compares: East Asian, 0.15%; no homozygotes.

Submissions (5):

Blueprint Genetics
Classification: Benign. Last evaluated: 2023-09-26. Review status: criteria provided, single submitter. Criteria: ACMG Guidelines, 2015. Collection method: clinical testing. Allele origin: germline.

Ambry Genetics
Classification: Likely benign for Inborn genetic diseases. Last evaluated: 2023-09-12. Review status: criteria provided, single submitter. Criteria: Ambry Variant Classification Scheme 2023. Collection method: clinical testing. Allele origin: germline.

Labcorp Genetics (formerly Invitae), Labcorp
Classification: Uncertain significance for Ornithine aminotransferase deficiency. Last evaluated: 2022-08-31. Review status: criteria provided, single submitter. Criteria: Invitae Variant Classification Sherloc (09022015). Collection method: clinical testing. Allele origin: germline.
Comment: This sequence change replaces valine, which is neutral and non-polar, with alanine, which is neutral and non-polar, at codon 105 of the OAT protein (p.Val105Ala). This variant is present in population databases (rs199957428, gnomAD 0.1%). This variant has not been reported in the literature in individuals affected with OAT-related conditions. ClinVar contains an entry for this variant (Variation ID: 456521). Algorithms developed to predict the effect of missense changes on protein structure and function output the following: SIFT: "Tolerated"; PolyPhen-2: "Benign"; Align-GVGD: "Class C0". The alanine amino acid residue is found in multiple mammalian species, which suggests that this missense change does not adversely affect protein function. In summary, the available evidence is currently insufficient to determine the role of this variant in disease. Therefore, it has been classified as a Variant of Uncertain Significance.

Fulgent Genetics
Classification: Uncertain significance for Ornithine aminotransferase deficiency. Last evaluated: 2022-04-21. Review status: criteria provided, single submitter. Criteria: ACMG Guidelines, 2015. Collection method: clinical testing. Allele origin: unknown.

Illumina Laboratory Services, Illumina
Classification: Uncertain significance for Ornithine aminotransferase deficiency. Last evaluated: 2018-01-13. Review status: criteria provided, single submitter. Criteria: ICSL Variant Classification Criteria 13 December 2019. Collection method: clinical testing. Allele origin: germline.

NM_000274.4(OAT):c.314T>C (p.Val105Ala)

Gene: OAT (ornithine aminotransferase; minus strand). Cytogenetic location: 10q26.13.
Variant type: single nucleotide variant.
Coding change: c.314T>C on transcript NM_000274.4 (MANE Select); coding-DNA position 314, T replaced by C.
Protein change: p.Val105Ala; replaces valine 105 with alanine.
Molecular consequence: missense variant. On other transcripts: 5 prime UTR variant (2), intron variant (1).
Genome position (GRCh38, 1-based): chr10:124,408,851, A>G on the plus strand (T>C on the coding strand, the complement: OAT is on the minus strand). VCF-style: chr10-124408851-A-G. GRCh37 (hg19) VCF-style: chr10-126097420-A-G.
Other names: c.314T>C, p.Val105Ala (NM_001322965.2, NM_001322966.2, NM_001322967.2 and 3 more transcripts); c.-401T>C (NM_001322974.2); c.199+3122T>C (NM_001322971.2); c.-101T>C (NM_001171814.2); short protein forms V105A.
Identifiers: ClinVar variation 456521 (VCV000456521.13), dbSNP rs199957428, ClinGen allele CA5733560.